The following is an entry in ClinVar:

ClinVar aggregate classification (germline): Uncertain significance (1 of 4 stars; one submission).

Conditions:
Beta-D-mannosidosis (MANSB). Also called: MANNOSIDOSIS, BETA A, LYSOSOMAL; BETA-MANNOSIDASE DEFICIENCY; LYSOSOMAL BETA-MANNOSIDASE DEFICIENCY; Beta-Mannosidosis. Identifiers: Orphanet 118, MedGen C4048196, MONDO:0009562, OMIM 248510.

Allele frequency attached by ClinVar (database versions not stated): gnomAD exomes below 0.00001 and 0.00001; ExAC 0.00002; gnomAD 0.00009; TOPMed 0.00008; ESP Exome Variant Server 0.00015.
gnomAD v4.1: 21 of 1,613,278 alleles (0.0013%); highest among the groups gnomAD compares: African/African-American, 0.028%; no homozygotes.

Submission:

Labcorp Genetics (formerly Invitae), Labcorp
Classification: Uncertain significance for Beta-D-mannosidosis. Last evaluated: 2024-11-11. Review status: criteria provided, single submitter. Criteria: Invitae Variant Classification Sherloc (09022015). Collection method: clinical testing. Allele origin: germline.
Comment: This sequence change replaces serine, which is neutral and polar, with glycine, which is neutral and non-polar, at codon 579 of the MANBA protein (p.Ser579Gly). This variant is present in population databases (rs376879093, gnomAD 0.01%). This variant has not been reported in the literature in individuals affected with MANBA-related conditions. ClinVar contains an entry for this variant (Variation ID: 1013766). Invitae Evidence Modeling of protein sequence and biophysical properties (such as structural, functional, and spatial information, amino acid conservation, physicochemical variation, residue mobility, and thermodynamic stability) indicates that this missense variant is not expected to disrupt MANBA protein function with a negative predictive value of 80%. In summary, the available evidence is currently insufficient to determine the role of this variant in disease. Therefore, it has been classified as a Variant of Uncertain Significance.

NM_005908.4(MANBA):c.1735A>G (p.Ser579Gly)

Gene: MANBA (mannosidase beta; minus strand). Cytogenetic location: 4q24.
Variant type: single nucleotide variant.
Coding change: c.1735A>G on transcript NM_005908.4 (MANE Select); coding-DNA position 1735, A replaced by G.
Protein change: p.Ser579Gly; replaces serine 579 with glycine.
Molecular consequence: missense variant.
Genome position (GRCh38, 1-based): chr4:102,650,671, T>C on the plus strand (A>G on the coding strand, the complement: MANBA is on the minus strand). VCF-style: chr4-102650671-T-C. GRCh37 (hg19) VCF-style: chr4-103571828-T-C.
Other names: short protein forms S579G.
Identifiers: ClinVar variation 1013766 (VCV001013766.3), dbSNP rs376879093, ClinGen allele CA3026811.